The following is an entry in ClinVar:

ClinVar aggregate classification (germline): Uncertain significance. Review status: criteria provided, multiple submitters, no conflicts (2 of 4 stars). 2 submissions from 2 submitters: Uncertain significance (2). Last evaluated 2024-02-13.

Conditions:
Familial thoracic aortic aneurysm and aortic dissection (TAAD). Also called: Thoracic aortic aneurysms and dissections. Identifiers: Orphanet 91387, MedGen C4707243, MONDO:0019625.
FG syndrome (FGS). Identifiers: MedGen C0220769, MONDO:0002010.

Submissions (2):

Ambry Genetics
Classification: Uncertain significance for Familial thoracic aortic aneurysm and aortic dissection. Last evaluated: 2024-02-13. Review status: criteria provided, single submitter. Criteria: Ambry Variant Classification Scheme 2023. Collection method: clinical testing. Allele origin: germline.
Comment: The c.6416_6439del24 (p.R2139_Q2146del) alteration is located in exon 44 of the MED12 gene. This alteration results in an in-frame deletion of 24 nucleotides between nucleotide positions c.6416 and c.6439. This results in the deletion of 8 amino acids between codons 2139 and 2146. This variant was not reported in population-based cohorts in the Genome Aggregation Database (gnomAD). This amino acid position is well conserved in available vertebrate species. This alteration is predicted to be deleterious by in silico analysis (Choi, 2012). Based on insufficient or conflicting evidence, the clinical significance of this alteration remains unclear.

Labcorp Genetics (formerly Invitae), Labcorp
Classification: Uncertain significance for FG syndrome. Last evaluated: 2022-08-03. Review status: criteria provided, single submitter. Criteria: Invitae Variant Classification Sherloc (09022015). Collection method: clinical testing. Allele origin: germline.
Comment: Experimental studies and prediction algorithms are not available or were not evaluated, and the functional significance of this variant is currently unknown. This variant is not present in population databases (gnomAD no frequency). This variant has not been reported in the literature in individuals affected with MED12-related conditions. In summary, the available evidence is currently insufficient to determine the role of this variant in disease. Therefore, it has been classified as a Variant of Uncertain Significance. This variant, c.6416_6439del, results in the deletion of 8 amino acid(s) of the MED12 protein (p.Arg2139_Gln2146del), but otherwise preserves the integrity of the reading frame.

NM_005120.3(MED12):c.6416_6439del (p.Arg2139_Gln2146del)

Gene: MED12 (mediator complex subunit 12; plus strand). Cytogenetic location: Xq13.1.
Variant type: Deletion.
Coding change: c.6416_6439del on transcript NM_005120.3 (MANE Select); coding-DNA positions 6416 to 6439, 24 bases deleted (GCCAGGGGCTTCAGCAGACCCAGC).
Protein change: p.Arg2139_Gln2146del.
Molecular consequence: inframe deletion.
Genome position (GRCh38, 1-based): chrX:71,141,890-71,141,913, GCCAGGGGCTTCAGCAGACCCAGC deleted; deleting any 24 consecutive bases within chrX:71,141,885-71,141,913 gives the same sequence; the c. name uses the placement nearest the transcript's 3' end. VCF-style (leftmost placement, unchanged base first): chrX-71141884-TCCAGCGCCAGGGGCTTCAGCAGAC-T. GRCh37 (hg19) VCF-style: chrX-70361734-TCCAGCGCCAGGGGCTTCAGCAGAC-T.
Other names: c.6416_6439del24 (NM_005120.2).
Identifiers: ClinVar variation 2122305 (VCV002122305.5), dbSNP rs2519724969, ClinGen allele CA2580101344.